The following is an entry in ClinVar:

NM_182895.5(SCARF2):c.198T>C (p.Ala66=)

Gene: SCARF2 (scavenger receptor class F member 2; minus strand). Cytogenetic location: 22q11.21.
Variant type: single nucleotide variant.
Coding change: c.198T>C on transcript NM_182895.5 (MANE Select); coding-DNA position 198, T replaced by C.
Protein change: p.Ala66=; no amino-acid change (alanine 66 retained).
Molecular consequence: synonymous variant.
Genome position (GRCh38, 1-based): chr22:20,431,964, A>G on the plus strand (T>C on the coding strand, the complement: SCARF2 is on the minus strand). VCF-style: chr22-20431964-A-G. GRCh37 (hg19) VCF-style: chr22-20786251-A-G.
Other names: c.198T>C, p.Ala66= (NM_153334.7).
Identifiers: ClinVar variation 3033938 (VCV003033938.6), dbSNP rs769523994, ClinGen allele CA10112689.
Genomic context (GRCh38, chr22:20,431,964, plus strand): 5'-CCAGGTCCCCGGGATGACCCACTCACCAATCCCACACTCGTCCCCTTGCTGCCTCCAGCC[A>G]GCGCAGCACGTGGGCACCTGGGAGCTGCGAGCAGAGGGAGGACATCTAAGCCCGATGCCC-3'
Protein context (NP_878315.2, residues 56-76): APGSQVPTCC[Ala66=]GWRQQGDECG

ClinVar aggregate classification (germline): Likely benign. Review status: criteria provided, single submitter (1 of 4 stars). 2 submissions from 2 submitters: Likely benign (1). 1 of the submissions does not count toward it. Last evaluated 2026-02-01.

Conditions:
SCARF2-related disorder. Also called: SCARF2-related condition.

Allele frequency attached by ClinVar (database versions not stated): gnomAD 0.00001; gnomAD exomes 0.00004.
gnomAD v4.1: 56 of 1,524,162 alleles (0.0037%); highest among the groups gnomAD compares: Non-Finnish European, 0.0045%; no homozygotes.

Submissions (2):

CeGaT Center for Human Genetics Tuebingen
Classification: Likely benign. Last evaluated: 2026-02-01. Review status: criteria provided, single submitter. Criteria: CeGaT Center For Human Genetics Tuebingen Variant Classification Criteria Version 2. Collection method: clinical testing. Allele origin: germline. Affected: yes. Observed: 1 variant allele.
Comment: SCARF2: BP4, BP7

PreventionGenetics, part of Exact Sciences
Classification: Likely benign for SCARF2-related condition. Last evaluated: 2019-06-13. Review status: no assertion criteria provided. Collection method: clinical testing. Allele origin: germline. Not counted in ClinVar's aggregate classification.
Comment: This variant is classified as likely benign based on ACMG/AMP sequence variant interpretation guidelines (Richards et al. 2015 PMID: 25741868, with internal and published modifications).